The following is an entry in ClinVar:

ClinVar aggregate classification (germline): Conflicting classifications of pathogenicity. Review status: criteria provided, conflicting classifications (1 of 4 stars). 3 submissions from 3 submitters: Uncertain significance (2); Likely benign (1). Last evaluated 2025-11-12.

Conditions:
Hypercholesterolemia, autosomal dominant, type B (FHCL2). Also called: APOB-Related Familial Hypercholesterolemia, Autosomal Dominant; Familial Hypercholesterolemia Type B; APOLIPOPROTEIN B-100, FAMILIAL DEFECTIVE; APOLIPOPROTEIN B-100, FAMILIAL LIGAND-DEFECTIVE; HYPERCHOLESTEROLEMIA, FAMILIAL, DUE TO LIGAND-DEFECTIVE APOLIPOPROTEIN B; Hyperlipoproteinemia Type IIb. Identifiers: MedGen C1704417, MONDO:0007751, OMIM 144010.
Familial hypobetalipoproteinemia 1. Also called: Hypobetalipoproteinemia, normotriglyceridemic; Acanthocytosis with hypobetalipoproteinemia; APOB-Related Familial Hypobetalipoproteinemia. Identifiers: MedGen C4551990, MONDO:0014252, OMIM 615558.
Cardiovascular phenotype. Identifiers: MedGen CN230736.

Allele frequency attached by ClinVar (database versions not stated): TOPMed 0.00001; gnomAD 0.00002; gnomAD exomes 0.00001.
gnomAD v4.1: 7 of 1,613,930 alleles (0.00043%); highest among the groups gnomAD compares: Admixed American, 0.012%; no homozygotes.

Submissions (3):

Ambry Genetics
Classification: Uncertain significance for Cardiovascular phenotype. Last evaluated: 2025-11-12. Review status: criteria provided, single submitter. Criteria: Ambry Variant Classification Scheme 2023. Collection method: clinical testing. Allele origin: germline.

Quest Diagnostics Nichols Institute San Juan Capistrano
Classification: Uncertain significance. Last evaluated: 2024-11-01. Review status: criteria provided, single submitter. Criteria: Quest Diagnostics criteria. Collection method: clinical testing. Allele origin: unknown.
Comment: The APOB c.4927G>A (p.Ala1643Thr) variant has not been reported in individuals with APOB-related conditions in the published literature. The frequency of this variant in the general population, 0.00012 (4/34552 chromosomes (Genome Aggregation Database)), is uninformative in the assessment of its pathogenicity. Analysis of this variant using bioinformatics tools for the prediction of the effect of amino acid changes on protein structure and function yielded predictions that this variant is benign. Based on the available information, we are unable to determine the clinical significance of this variant.

Labcorp Genetics (formerly Invitae), Labcorp
Classification: Likely benign for Familial hypobetalipoproteinemia 1; Hypercholesterolemia, autosomal dominant, type B. Last evaluated: 2023-05-17. Review status: criteria provided, single submitter. Criteria: Invitae Variant Classification Sherloc (09022015). Collection method: clinical testing. Allele origin: germline.

NM_000384.3(APOB):c.4927G>A (p.Ala1643Thr)

Gene: APOB (apolipoprotein B; minus strand). Cytogenetic location: 2p24.1.
Variant type: single nucleotide variant.
Coding change: c.4927G>A on transcript NM_000384.3 (MANE Select); coding-DNA position 4927, G replaced by A.
Protein change: p.Ala1643Thr; replaces alanine 1643 with threonine.
Molecular consequence: missense variant.
Genome position (GRCh38, 1-based): chr2:21,011,941, C>T on the plus strand (G>A on the coding strand, the complement: APOB is on the minus strand). VCF-style: chr2-21011941-C-T. GRCh37 (hg19) VCF-style: chr2-21234813-C-T.
Other names: c.4927G>A (NM_000384.2); short protein forms A1643T.
Identifiers: ClinVar variation 2949614 (VCV002949614.6), dbSNP rs774862312, ClinGen allele CA061371.
Genomic context (GRCh38, chr2:21,011,941, plus strand): 5'-TACACTTCAAGTTGGTCGTTGCACTGGTAGATATTCCATCTTGGCCAATCCTTAGTGTCG[C>T]CTTGTGAGCACCACTATTAATTTTGTCAGTGCCTAAGATGTCAGCATTTAACTCAAGACC-3'
Protein context (NP_000375.3, residues 1633-1653): TDKINSGAHK[Ala1643Thr]TLRIGQDGIS